The following is an entry in ClinVar:

ClinVar aggregate classification (germline): Conflicting classifications of pathogenicity. Review status: criteria provided, conflicting classifications (1 of 4 stars). 3 submissions from 3 submitters: Uncertain significance (2); Likely benign (1). Last evaluated 2025-10-27.

Conditions:
Arrhythmogenic cardiomyopathy with wooly hair and keratoderma. Also called: PALMOPLANTAR KERATODERMA WITH LEFT VENTRICULAR CARDIOMYOPATHY AND WOOLLY HAIR; Arrhythmogenic cardiomyopathy with woolly hair and keratoderma; Carvajal syndrome; Dilated cardiomyopathy with woolly hair and keratoderma. Identifiers: Orphanet 65282, MedGen C1854063, MONDO:0011581, OMIM 605676.
Arrhythmogenic right ventricular dysplasia 8 (ARVD8). Also called: Arrhythmogenic Right Ventricular Dysplasia/Cardiomyopathy 8; ARRHYTHMOGENIC RIGHT VENTRICULAR DYSPLASIA, FAMILIAL, 8; ARRHYTHMOGENIC RIGHT VENTRICULAR CARDIOMYOPATHY 8. Identifiers: MedGen C1843896, MONDO:0011831, OMIM 607450.
Cardiomyopathy (CMYO). Also called: Cardiomyopathies. Identifiers: Orphanet 167848, MedGen C0878544, MONDO:0004994, HP:0001638. Inheritance: Various modes of inheritance.

Allele frequency attached by ClinVar (database versions not stated): gnomAD exomes below 0.00001 and 0.00001; gnomAD 0.00001 and 0.00002; TOPMed 0.00001.
gnomAD v4.1: 5 of 1,614,006 alleles (0.00031%); highest among the groups gnomAD compares: Non-Finnish European, 0.00042%; no homozygotes.

Submissions (3):

Color Diagnostics, LLC DBA Color Health
Classification: Uncertain significance for Cardiomyopathy. Last evaluated: 2025-10-27. Review status: criteria provided, single submitter. Criteria: ACMG Guidelines, 2015. Collection method: clinical testing. Allele origin: germline.
Comment: This missense variant replaces alanine with threonine at codon 212 of the DSP protein. Computational prediction suggests that this variant may not impact protein structure and function. To our knowledge, functional studies have not been reported for this variant. This variant has not been reported in individuals affected with DSP-related disorders in the literature. This variant has been identified in 5/1614006 chromosomes in the general population by the Genome Aggregation Database (gnomAD). The available evidence is insufficient to determine the role of this variant in disease conclusively. Therefore, this variant is classified as a Variant of Uncertain Significance.

Labcorp Genetics (formerly Invitae), Labcorp
Classification: Likely benign for Arrhythmogenic cardiomyopathy with wooly hair and keratoderma; Arrhythmogenic right ventricular dysplasia 8. Last evaluated: 2023-12-06. Review status: criteria provided, single submitter. Criteria: Invitae Variant Classification Sherloc (09022015). Collection method: clinical testing. Allele origin: germline.

All of Us Research Program, National Institutes of Health
Classification: Uncertain significance for Arrhythmogenic cardiomyopathy with wooly hair and keratoderma. Last evaluated: 2023-02-10. Review status: criteria provided, single submitter. Criteria: ACMG Guidelines, 2015. Collection method: clinical testing. Allele origin: germline. Inheritance: Autosomal dominant inheritance. Observed: 1 variant allele, 1 heterozygote.
Comment: This study involves interpretation of variants in research participants for the purpose of population health screening. Participant phenotype was not available at the time of variant classification. Additional details can be found in publication PMID: 35346344, PMCID: PMC8962531

NM_004415.4(DSP):c.634G>A (p.Ala212Thr)

Gene: DSP (desmoplakin; plus strand). Cytogenetic location: 6p24.3.
Variant type: single nucleotide variant.
Coding change: c.634G>A on transcript NM_004415.4 (MANE Select); coding-DNA position 634, G replaced by A.
Protein change: p.Ala212Thr; replaces alanine 212 with threonine.
Molecular consequence: missense variant.
Genome position (GRCh38, 1-based): chr6:7,562,688, G>A. VCF-style: chr6-7562688-G-A. GRCh37 (hg19) VCF-style: chr6-7562921-G-A.
Other names: c.634G>A (LRG_423t1); c.634G>A, p.Ala212Thr (NM_001008844.3, NM_001319034.2); short protein forms A212T.
Identifiers: ClinVar variation 572504 (VCV000572504.11), dbSNP rs1028793473, ClinGen allele CA133953220.